The following is an entry in ClinVar:

NM_001197104.2(KMT2A):c.10339G>T (p.Gly3447Trp)

Gene: KMT2A (lysine methyltransferase 2A; plus strand). Cytogenetic location: 11q23.3.
Variant type: single nucleotide variant.
Coding change: c.10339G>T on transcript NM_001197104.2 (MANE Select); coding-DNA position 10339, G replaced by T.
Protein change: p.Gly3447Trp; replaces glycine 3447 with tryptophan.
Molecular consequence: missense variant.
Genome position (GRCh38, 1-based): chr11:118,506,231, G>T. VCF-style: chr11-118506231-G-T. GRCh37 (hg19) VCF-style: chr11-118376946-G-T.
Other names: c.10429G>T, p.Gly3477Trp (NM_001412597.1); c.10330G>T, p.Gly3444Trp (NM_005933.4); short protein forms G3444W, G3447W, G3477W.
Identifiers: ClinVar variation 3634358 (VCV003634358.2).
Genomic context (GRCh38, chr11:118,506,231, plus strand): 5'-TCTAGCATCTGTGTGCTCCCCTCCACTCAGACTACGGGCATAACAGCCGCTTCACCTTCT[G>T]GGGAAGCAGACGAACACTATCAGCTTCAGCATGTGAACCAGCTCCTTGCCAGCAAAACTG-3'
Protein context (NP_001184033.1, residues 3437-3457): TTGITAASPS[Gly3447Trp]EADEHYQLQH

ClinVar aggregate classification (germline): Uncertain significance (1 of 4 stars; one submission).

Submission:

Labcorp Genetics (formerly Invitae), Labcorp
Classification: Uncertain significance. Last evaluated: 2024-06-13. Review status: criteria provided, single submitter. Criteria: Invitae Variant Classification Sherloc (09022015). Collection method: clinical testing. Allele origin: germline.
Comment: This sequence change replaces glycine, which is neutral and non-polar, with tryptophan, which is neutral and slightly polar, at codon 3447 of the KMT2A protein (p.Gly3447Trp). This variant is not present in population databases (gnomAD no frequency). This variant has not been reported in the literature in individuals affected with KMT2A-related conditions. Advanced modeling of protein sequence and biophysical properties (such as structural, functional, and spatial information, amino acid conservation, physicochemical variation, residue mobility, and thermodynamic stability) performed at Invitae indicates that this missense variant is not expected to disrupt KMT2A protein function with a negative predictive value of 95%. In summary, the available evidence is currently insufficient to determine the role of this variant in disease. Therefore, it has been classified as a Variant of Uncertain Significance.